The following is an entry in ClinVar:

ClinVar aggregate classification (germline): Uncertain significance (1 of 4 stars; one submission).

Conditions:
Inborn genetic diseases. Identifiers: MedGen C0950123, MeSH D030342.

gnomAD v4.1: 19 of 1,611,304 alleles (0.0012%); highest among the groups gnomAD compares: Non-Finnish European, 0.0014%; no homozygotes.

Submission:

Ambry Genetics
Classification: Uncertain significance for Inborn genetic diseases. Last evaluated: 2025-11-19. Review status: criteria provided, single submitter. Criteria: Ambry Variant Classification Scheme 2023. Collection method: clinical testing. Allele origin: germline.
Comment: The c.4262C>G (p.A1421G) alteration is located in exon 15 (coding exon 15) of the PKD1 gene. This alteration results from a C to G substitution at nucleotide position 4262, causing the alanine (A) at amino acid position 1421 to be replaced by a glycine (G). Based on data from gnomAD, the G allele has an overall frequency of 0.003% (1/31370) total alleles studied. The highest observed frequency was 0.007% (1/15414) of European (non-Finnish) alleles. Based on insufficient or conflicting evidence, the clinical significance of this alteration remains unclear.

NM_001009944.3(PKD1):c.4262C>G (p.Ala1421Gly)

Gene: PKD1 (polycystin 1, transient receptor potential channel interacting; minus strand). Cytogenetic location: 16p13.3.
Variant type: single nucleotide variant.
Coding change: c.4262C>G on transcript NM_001009944.3 (MANE Select); coding-DNA position 4262, C replaced by G.
Protein change: p.Ala1421Gly; replaces alanine 1421 with glycine.
Molecular consequence: missense variant.
Genome position (GRCh38, 1-based): chr16:2,110,905, G>C on the plus strand (C>G on the coding strand, the complement: PKD1 is on the minus strand). VCF-style: chr16-2110905-G-C. GRCh37 (hg19) VCF-style: chr16-2160906-G-C.
Other names: c.4262C>G, p.Ala1421Gly (NM_000296.4); short protein forms A1421G.
Identifiers: ClinVar variation 4627741 (VCV004627741.1).